The following is an entry in ClinVar:

NM_000051.4(ATM):c.6706del (p.Glu2236fs)

Genes: ATM (ATM serine/threonine kinase; plus strand), C11orf65 (chromosome 11 open reading frame 65; minus strand). Cytogenetic location: 11q22.3.
Variant type: Deletion.
Coding change: c.6706del on transcript NM_000051.4 (MANE Select); coding-DNA position 6706, one base deleted (G; older notation c.6706delG).
Protein change: p.Glu2236fs; shifts the reading frame from glutamic acid 2236.
Molecular consequence: frameshift variant. On other transcripts: intron variant (2).
Genome position (GRCh38, 1-based): chr11:108,325,443, G deleted; the last of 2 consecutive G bases (chr11:108,325,442-108,325,443); deleting either gives the same sequence. VCF-style (leftmost placement, unchanged base first): chr11-108325441-TG-T. GRCh37 (hg19) VCF-style: chr11-108196168-TG-T.
Other names: c.6706del, p.Glu2236fs (NM_001351834.2); c.641-16371del (NM_001330368.2); c.*38+9778del (NM_001351110.2); short protein forms E2236fs.
Identifiers: ClinVar variation 1072187 (VCV001072187.8), dbSNP rs2136313589, ClinGen allele CA2499220693.

ClinVar aggregate classification (germline): Pathogenic (1 of 4 stars; one submission).

Conditions:
Ataxia-telangiectasia syndrome (AT). Also called: Ataxia telangiectasia (A-T); ATAXIA-TELANGIECTASIA, COMPLEMENTATION GROUP A; ATAXIA-TELANGIECTASIA, FRESNO VARIANT; Ataxia-telangiectasia; Ataxia-telangiectasia, complementation group E; LOUIS-BAR SYNDROME. Identifiers: Orphanet 100, MedGen C0004135, MONDO:0008840, OMIM 208900.

Submission:

Labcorp Genetics (formerly Invitae), Labcorp
Classification: Pathogenic for Ataxia-telangiectasia syndrome. Last evaluated: 2022-04-14. Review status: criteria provided, single submitter. Criteria: Invitae Variant Classification Sherloc (09022015). Collection method: clinical testing. Allele origin: germline.
Comment: For these reasons, this variant has been classified as Pathogenic. ClinVar contains an entry for this variant (Variation ID: 1072187). This variant has not been reported in the literature in individuals affected with ATM-related conditions. This variant is not present in population databases (gnomAD no frequency). This sequence change creates a premature translational stop signal (p.Glu2236Lysfs*21) in the ATM gene. It is expected to result in an absent or disrupted protein product. Loss-of-function variants in ATM are known to be pathogenic (PMID: 23807571, 25614872).

Literature cited by the submitters: PubMed 23807571; PubMed 25614872.